The following is an entry in ClinVar:

ClinVar aggregate classification (germline): Uncertain significance (1 of 4 stars; one submission).

Conditions:
GROWTH HORMONE DEFICIENCY WITH PITUITARY ANOMALIES. Identifiers: MedGen C2750027, OMIM 182230.
Septo-optic dysplasia sequence (SOD). Also called: DE MORSIER SYNDROME; Septo-optic dysplasia. Identifiers: Orphanet 3157, MedGen C0338503, MONDO:0008428, OMIM 182230, HP:0100842.

Submission:

Labcorp Genetics (formerly Invitae), Labcorp
Classification: Uncertain significance for GROWTH HORMONE DEFICIENCY WITH PITUITARY ANOMALIES; Septo-optic dysplasia sequence. Last evaluated: 2023-07-10. Review status: criteria provided, single submitter. Criteria: Invitae Variant Classification Sherloc (09022015). Collection method: clinical testing. Allele origin: germline.
Comment: An algorithm developed to predict the effect of missense changes on protein structure and function (PolyPhen-2) suggests that this variant is likely to be disruptive. In summary, the available evidence is currently insufficient to determine the role of this variant in disease. Therefore, it has been classified as a Variant of Uncertain Significance. ClinVar contains an entry for this variant (Variation ID: 2123821). This variant has not been reported in the literature in individuals affected with HESX1-related conditions. This variant is not present in population databases (gnomAD no frequency). This sequence change replaces proline, which is neutral and non-polar, with leucine, which is neutral and non-polar, at codon 111 of the HESX1 protein (p.Pro111Leu).

NM_003865.3(HESX1):c.332C>T (p.Pro111Leu)

Gene: HESX1 (HESX homeobox 1; minus strand). Cytogenetic location: 3p14.3.
Variant type: single nucleotide variant.
Coding change: c.332C>T on transcript NM_003865.3 (MANE Select); coding-DNA position 332, C replaced by T.
Protein change: p.Pro111Leu; replaces proline 111 with leucine.
Molecular consequence: missense variant.
Genome position (GRCh38, 1-based): chr3:57,198,778, G>A on the plus strand (C>T on the coding strand, the complement: HESX1 is on the minus strand). VCF-style: chr3-57198778-G-A. GRCh37 (hg19) VCF-style: chr3-57232806-G-A.
Other names: c.332C>T, p.Pro111Leu (NM_001376058.1, NM_001376059.1, NM_001376060.1 and 1 more transcripts); short protein forms P111L.
Identifiers: ClinVar variation 2123821 (VCV002123821.4), dbSNP rs1472212351, ClinGen allele CA353401005.